The following is an entry in ClinVar:

ClinVar aggregate classification (germline): Uncertain significance. Review status: criteria provided, multiple submitters, no conflicts (2 of 4 stars). 3 submissions from 3 submitters: Uncertain significance (3). Last evaluated 2026-07-08.

Conditions:
Inborn genetic diseases. Identifiers: MedGen C0950123, MeSH D030342.
Neurodevelopmental disorder and structural brain anomalies with or without seizures and spasticity. Identifiers: MedGen C5394423, MONDO:0030046, OMIM 618890.

Allele frequency attached by ClinVar (database versions not stated): ExAC 0.00004; TOPMed 0.00004; gnomAD 0.00005.
gnomAD v4.1: 133 of 1,613,942 alleles (0.0082%); highest among the groups gnomAD compares: Non-Finnish European, 0.01%; no homozygotes.

Submissions (3):

Institute of Human Genetics, University of Leipzig Medical Center
Classification: Uncertain significance for Neurodevelopmental disorder and structural brain anomalies with or without seizures and spasticity. Last evaluated: 2026-07-08. Review status: criteria provided, single submitter. Criteria: ACMG Guidelines, 2015. Collection method: clinical testing. Allele origin: inherited. Inheritance: Autosomal recessive inheritance. Affected: yes.
Comment: Criteria applied: PM2_SUP,PM3_SUP,PP3

Labcorp Genetics (formerly Invitae), Labcorp
Classification: Uncertain significance. Last evaluated: 2026-01-12. Review status: criteria provided, single submitter. Criteria: Invitae Variant Classification Sherloc (09022015). Collection method: clinical testing. Allele origin: germline.
Comment: This sequence change replaces valine, which is neutral and non-polar, with methionine, which is neutral and non-polar, at codon 635 of the PTPN23 protein (p.Val635Met). This variant is present in population databases (rs756662249, gnomAD 0.01%). This variant has not been reported in the literature in individuals affected with PTPN23-related conditions. ClinVar contains an entry for this variant (Variation ID: 1900459). Experimental studies and prediction algorithms are not available or were not evaluated, and the functional significance of this variant is currently unknown. In summary, the available evidence is currently insufficient to determine the role of this variant in disease. Therefore, it has been classified as a Variant of Uncertain Significance.

Ambry Genetics
Classification: Uncertain significance for Inborn genetic diseases. Last evaluated: 2025-05-06. Review status: criteria provided, single submitter. Criteria: Ambry Variant Classification Scheme 2023. Collection method: clinical testing. Allele origin: germline.

NM_015466.4(PTPN23):c.1903G>A (p.Val635Met)

Gene: PTPN23 (protein tyrosine phosphatase non-receptor type 23; plus strand). Cytogenetic location: 3p21.31.
Variant type: single nucleotide variant.
Coding change: c.1903G>A on transcript NM_015466.4 (MANE Select); coding-DNA position 1903, G replaced by A.
Protein change: p.Val635Met; replaces valine 635 with methionine.
Molecular consequence: missense variant.
Genome position (GRCh38, 1-based): chr3:47,409,522, G>A. VCF-style: chr3-47409522-G-A. GRCh37 (hg19) VCF-style: chr3-47451012-G-A.
Other names: c.1525G>A, p.Val509Met (NM_001304482.2); c.1903G>A (NM_015466.2); short protein forms V509M, V635M.
Identifiers: ClinVar variation 1900459 (VCV001900459.7), dbSNP rs756662249, ClinGen allele CA2365852.